The following is an entry in ClinVar:

NM_053025.4(MYLK):c.2905G>A (p.Glu969Lys)

Gene: MYLK (myosin light chain kinase; minus strand). Cytogenetic location: 3q21.1.
Variant type: single nucleotide variant.
Coding change: c.2905G>A on transcript NM_053025.4 (MANE Select); coding-DNA position 2905, G replaced by A.
Protein change: p.Glu969Lys; replaces glutamic acid 969 with lysine.
Molecular consequence: missense variant.
Genome position (GRCh38, 1-based): chr3:123,700,563, C>T on the plus strand (G>A on the coding strand, the complement: MYLK is on the minus strand). VCF-style: chr3-123700563-C-T. GRCh37 (hg19) VCF-style: chr3-123419410-C-T.
Other names: c.2377G>A, p.Glu793Lys (NM_001321309.2); c.2698G>A, p.Glu900Lys (NM_053026.4, NM_053028.4); c.2905G>A, p.Glu969Lys (NM_053027.4); short protein forms E793K, E969K, E900K.
Identifiers: ClinVar variation 4635432 (VCV004635432.1).

ClinVar aggregate classification (germline): Uncertain significance (1 of 4 stars; one submission).

Conditions:
Familial thoracic aortic aneurysm and aortic dissection (TAAD). Also called: Thoracic aortic aneurysms and dissections. Identifiers: Orphanet 91387, MedGen C4707243, MONDO:0019625.

Submission:

Ambry Genetics
Classification: Uncertain significance for Familial thoracic aortic aneurysm and aortic dissection. Last evaluated: 2025-09-17. Review status: criteria provided, single submitter. Criteria: Ambry Variant Classification Scheme 2023. Collection method: clinical testing. Allele origin: germline.
Comment: The p.E969K variant (also known as c.2905G>A), located in coding exon 15 of the MYLK gene, results from a G to A substitution at nucleotide position 2905. The glutamic acid at codon 969 is replaced by lysine, an amino acid with similar properties. This amino acid position is conserved. In addition, the in silico prediction for this alteration is inconclusive. Based on the available evidence, the clinical significance of this variant remains unclear.